The following is an entry in ClinVar:

ClinVar aggregate classification (germline): Likely benign (1 of 4 stars; one submission).

Conditions:
NRP2-related disorder. Also called: NRP2-related condition.

gnomAD v4.1: 20 of 1,614,096 alleles (0.0012%); highest among the groups gnomAD compares: Non-Finnish European, 0.0017%; no homozygotes.

Submissions (2):

PreventionGenetics, part of Exact Sciences
Classification: Likely benign for NRP2-related condition. Last evaluated: 2025-04-09. Review status: criteria provided, single submitter. Criteria: ACMG Guidelines, 2015. Collection method: clinical testing. Allele origin: germline.
Comment: This variant is classified as likely benign based on ACMG/AMP sequence variant interpretation guidelines (Richards et al. 2015 PMID: 25741868, with internal and published modifications).

Dr. Peter K. Rogan Lab, Western University
No classification provided (evidence only). Condition: Uterine carcinosarcoma. Review status: no classification provided. Collection method: in vitro. Allele origin: not applicable. Functional consequence: retained intron. Not counted in ClinVar's aggregate classification.

NM_003872.3(NRP2):c.1746G>T (p.Gly582=)

Gene: NRP2 (neuropilin 2; plus strand). Cytogenetic location: 2q33.3.
Variant type: single nucleotide variant.
Coding change: c.1746G>T on transcript NM_003872.3 (MANE Select); coding-DNA position 1746, G replaced by T.
Protein change: p.Gly582=; no amino-acid change (glycine 582 retained).
Molecular consequence: synonymous variant.
Genome position (GRCh38, 1-based): chr2:205,745,850, G>T. VCF-style: chr2-205745850-G-T. GRCh37 (hg19) VCF-style: chr2-206610574-G-T.
Other names: NC_000002.11:g.206610574G>T; c.1746G>T, p.Gly582= (NM_018534.4, NM_201266.2, NM_201267.2 and 1 more transcripts); c.1746G>T (NM_201266.1).
Identifiers: ClinVar variation 4508517 (VCV004508517.2).